The following is an entry in ClinVar:

ClinVar aggregate classification (germline): Uncertain significance (1 of 4 stars; one submission).

Conditions:
Aortic aneurysm, familial thoracic 7 (AAT7). Also called: AORTIC DISSECTION, FAMILIAL, WITH OR WITHOUT AORTIC ANEURYSM. Identifiers: MedGen C3151077, MONDO:0013418, OMIM 613780.

Submission:

Labcorp Genetics (formerly Invitae), Labcorp
Classification: Uncertain significance for Aortic aneurysm, familial thoracic 7. Last evaluated: 2025-05-19. Review status: criteria provided, single submitter. Criteria: Invitae Variant Classification Sherloc (09022015). Collection method: clinical testing. Allele origin: germline.
Comment: This sequence change creates a premature translational stop signal (p.Trp860*) in the MYLK gene. This variant occurs in the long isoform of MYLK (PMID: 21055718). The current clinical and genetic evidence is not sufficient to establish whether loss-of-function variants in the long isoform of MYLK cause disease. This variant is not present in population databases (gnomAD no frequency). This variant has not been reported in the literature in individuals affected with MYLK-related conditions. In summary, the available evidence is currently insufficient to determine the role of this variant in disease. Therefore, it has been classified as a Variant of Uncertain Significance.

Literature cited by the submitters: PubMed 21055718.

NM_053025.4(MYLK):c.2580G>A (p.Trp860Ter)

Gene: MYLK (myosin light chain kinase; minus strand). Cytogenetic location: 3q21.1.
Variant type: single nucleotide variant.
Coding change: c.2580G>A on transcript NM_053025.4 (MANE Select); coding-DNA position 2580, G replaced by A.
Protein change: p.Trp860Ter; replaces tryptophan 860 with a stop codon.
Molecular consequence: nonsense.
Genome position (GRCh38, 1-based): chr3:123,700,888, C>T on the plus strand (G>A on the coding strand, the complement: MYLK is on the minus strand). VCF-style: chr3-123700888-C-T. GRCh37 (hg19) VCF-style: chr3-123419735-C-T.
Other names: c.2052G>A, p.Trp684Ter (NM_001321309.2); c.2373G>A, p.Trp791Ter (NM_053026.4, NM_053028.4); c.2580G>A, p.Trp860Ter (NM_053027.4); short protein forms W791*, W684*, W860*.
Identifiers: ClinVar variation 4706938 (VCV004706938.1).